The following is an entry in ClinVar:

NM_001183.6(ATP6AP1):c.161+13G>A

Gene: ATP6AP1 (ATPase H+ transporting accessory protein 1; plus strand). Cytogenetic location: Xq28.
Variant type: single nucleotide variant.
Coding change: c.161+13G>A on transcript NM_001183.6 (MANE Select); 13 bases into the intron after coding-DNA position 161, G replaced by A.
Molecular consequence: intron variant.
Genome position (GRCh38, 1-based): chrX:154,428,866, G>A. VCF-style: chrX-154428866-G-A. GRCh37 (hg19) VCF-style: chrX-153657212-G-A.
Identifiers: ClinVar variation 2805661 (VCV002805661.3), dbSNP rs2523013261, ClinGen allele CA2739273890.

ClinVar aggregate classification (germline): Uncertain significance (1 of 4 stars; one submission).

Submission:

Labcorp Genetics (formerly Invitae), Labcorp
Classification: Uncertain significance. Last evaluated: 2023-07-16. Review status: criteria provided, single submitter. Criteria: Invitae Variant Classification Sherloc (09022015). Collection method: clinical testing. Allele origin: germline.
Comment: In summary, the available evidence is currently insufficient to determine the role of this variant in disease. Therefore, it has been classified as a Variant of Uncertain Significance. Algorithms developed to predict the effect of sequence changes on RNA splicing suggest that this variant may create or strengthen a splice site. This variant has not been reported in the literature in individuals affected with ATP6AP1-related conditions. This variant is not present in population databases (gnomAD no frequency). This sequence change falls in intron 1 of the ATP6AP1 gene. It does not directly change the encoded amino acid sequence of the ATP6AP1 protein.